The following is an entry in ClinVar:

NM_006389.5(HYOU1):c.506T>C (p.Ile169Thr)

Gene: HYOU1 (hypoxia up-regulated 1; minus strand). Cytogenetic location: 11q23.3.
Variant type: single nucleotide variant.
Coding change: c.506T>C on transcript NM_006389.5 (MANE Select); coding-DNA position 506, T replaced by C.
Protein change: p.Ile169Thr; replaces isoleucine 169 with threonine.
Molecular consequence: missense variant.
Genome position (GRCh38, 1-based): chr11:119,054,666, A>G on the plus strand (T>C on the coding strand, the complement: HYOU1 is on the minus strand). VCF-style: chr11-119054666-A-G. GRCh37 (hg19) VCF-style: chr11-118925378-A-G.
Other names: c.506T>C, p.Ile169Thr (NM_001130991.3); short protein forms I169T.
Identifiers: ClinVar variation 1381446 (VCV001381446.6), dbSNP rs540401413, ClinGen allele CA229648157.
Genomic context (GRCh38, chr11:119,054,666, plus strand): 5'-AGCACAGCTCGGCGCTCGGCCTGGTTGAAGAAGACTGGCACGGTGATCACTGCATCCTTG[A>G]TGGGCTGCTCTACAGATGACAACAGAAAAGGGTCCCGCCGGCTCCATACCTTAGATGAGG-3'
Protein context (NP_006380.1, residues 159-179): SLAEDFAEQP[Ile169Thr]KDAVITVPVF

ClinVar aggregate classification (germline): Uncertain significance (1 of 4 stars; one submission).

Allele frequency attached by ClinVar (database versions not stated): gnomAD 0.00001; gnomAD exomes 0.00001; 1000 Genomes Project 30x 0.00016.
gnomAD v4.1: 14 of 1,612,120 alleles (0.00087%); highest among the groups gnomAD compares: South Asian, 0.015%; no homozygotes.

Submission:

Labcorp Genetics (formerly Invitae), Labcorp
Classification: Uncertain significance. Last evaluated: 2023-10-18. Review status: criteria provided, single submitter. Criteria: Invitae Variant Classification Sherloc (09022015). Collection method: clinical testing. Allele origin: germline.
Comment: This sequence change replaces isoleucine, which is neutral and non-polar, with threonine, which is neutral and polar, at codon 169 of the HYOU1 protein (p.Ile169Thr). This variant is present in population databases (rs540401413, gnomAD 0.02%). This variant has not been reported in the literature in individuals affected with HYOU1-related conditions. ClinVar contains an entry for this variant (Variation ID: 1381446). An algorithm developed to predict the effect of missense changes on protein structure and function (PolyPhen-2) suggests that this variant is likely to be disruptive. In summary, the available evidence is currently insufficient to determine the role of this variant in disease. Therefore, it has been classified as a Variant of Uncertain Significance.